The following is an entry in ClinVar:

ClinVar aggregate classification (germline): Likely benign (0 of 4 stars; one submission).

Conditions:
CTNND1-related disorder. Also called: CTNND1-related condition.

Allele frequency attached by ClinVar (database versions not stated): ExAC 0.00021; ESP Exome Variant Server 0.00049; 1000 Genomes Project 30x 0.00062; 1000 Genomes Project 0.00080.
gnomAD v4.1: 148 of 1,611,428 alleles (0.0092%); highest among the groups gnomAD compares: African/African-American, 0.17%; no homozygotes.

Submission:

PreventionGenetics, part of Exact Sciences
Classification: Likely benign for CTNND1-related condition. Last evaluated: 2023-06-22. Review status: no assertion criteria provided. Collection method: clinical testing. Allele origin: germline.
Comment: This variant is classified as likely benign based on ACMG/AMP sequence variant interpretation guidelines (Richards et al. 2015 PMID: 25741868, with internal and published modifications).

NM_001085458.2(CTNND1):c.322A>T (p.Ile108Phe)

Genes: CTNND1 (catenin delta 1; plus strand), TMX2-CTNND1 (TMX2-CTNND1 readthrough (NMD candidate); plus strand). Cytogenetic location: 11q12.1.
Variant type: single nucleotide variant.
Coding change: c.322A>T on transcript NM_001085458.2 (MANE Select); coding-DNA position 322, A replaced by T.
Protein change: p.Ile108Phe; replaces isoleucine 108 with phenylalanine.
Molecular consequence: missense variant. On other transcripts: non-coding transcript variant (1).
Genome position (GRCh38, 1-based): chr11:57,795,631, A>T. VCF-style: chr11-57795631-A-T. GRCh37 (hg19) VCF-style: chr11-57563103-A-T.
Other names: c.322A>T, p.Ile108Phe (NM_001085459.2, NM_001085460.2, NM_001085461.2 and 3 more transcripts); c.19A>T, p.Ile7Phe (NM_001085463.2, NM_001085464.2, NM_001085465.2 and 5 more transcripts); c.160A>T, p.Ile54Phe (NM_001206883.2, NM_001206884.2, NM_001206886.2 and 4 more transcripts); short protein forms I108F, I54F, I7F.
Identifiers: ClinVar variation 3046340 (VCV003046340.2), dbSNP rs147401852, ClinGen allele CA6010217.